The following is an entry in ClinVar:

ClinVar aggregate classification (germline): Likely benign. Review status: criteria provided, multiple submitters, no conflicts (2 of 4 stars). 4 submissions from 4 submitters: Likely benign (3). 1 of the submissions does not count toward it. Last evaluated 2025-12-24.

Conditions:
PEX10-related disorder. Also called: PEX10-related condition.
Zellweger spectrum disorders (ZS). Also called: Zellweger Spectrum Disorder; Zellweger Spectrum; Zellweger Spectrum Disorder (ZSD); Zellweger syndrome. Identifiers: Orphanet 912, MedGen C0043459, MONDO:0019609.
Peroxisome biogenesis disorder, complementation group 7 (CG7). Also called: Peroxisome biogenesis disorder, complementation group B. Identifiers: MedGen C1864399.

Allele frequency attached by ClinVar (database versions not stated): 1000 Genomes Project 0.00020; ExAC 0.00002; gnomAD 0.00004 and 0.00005; gnomAD exomes 0.00004 and 0.00005; TOPMed 0.00006; ESP Exome Variant Server 0.00008; 1000 Genomes Project 30x 0.00016.

Submissions (4):

Labcorp Genetics (formerly Invitae), Labcorp
Classification: Likely benign for Peroxisome biogenesis disorder, complementation group 7. Last evaluated: 2025-12-24. Review status: criteria provided, single submitter. Criteria: Invitae Variant Classification Sherloc (09022015). Collection method: clinical testing. Allele origin: germline.

PreventionGenetics, part of Exact Sciences
Classification: Likely benign for PEX10-related condition. Last evaluated: 2025-01-29. Review status: criteria provided, single submitter. Criteria: ACMG Guidelines, 2015. Collection method: clinical testing. Allele origin: germline.
Comment: This variant is classified as likely benign based on ACMG/AMP sequence variant interpretation guidelines (Richards et al. 2015 PMID: 25741868, with internal and published modifications).

Blueprint Genetics
Classification: Likely benign. Last evaluated: 2024-10-21. Review status: criteria provided, single submitter. Criteria: ACMG Guidelines, 2015. Collection method: clinical testing. Allele origin: germline.

Natera, Inc.
Classification: Uncertain significance for Zellweger syndrome. Last evaluated: 2020-03-17. Review status: no assertion criteria provided. Collection method: clinical testing. Allele origin: germline. Not counted in ClinVar's aggregate classification.

NM_002617.4(PEX10):c.144G>A (p.Glu48=)

Gene: PEX10 (peroxisomal biogenesis factor 10; minus strand). Cytogenetic location: 1p36.32.
Variant type: single nucleotide variant.
Coding change: c.144G>A on transcript NM_002617.4 (MANE Select); coding-DNA position 144, G replaced by A.
Protein change: p.Glu48=; no amino-acid change (glutamic acid 48 retained).
Molecular consequence: synonymous variant. On other transcripts: 5 prime UTR variant (2), non-coding transcript variant (1).
Genome position (GRCh38, 1-based): chr1:2,410,420, C>T on the plus strand (G>A on the coding strand, the complement: PEX10 is on the minus strand). VCF-style: chr1-2410420-C-T. GRCh37 (hg19) VCF-style: chr1-2341859-C-T.
Other names: c.144G>A, p.Glu48= (NM_001374425.1, NM_153818.2); c.-289G>A (NM_001374426.1, NM_001374427.1).
Identifiers: ClinVar variation 743720 (VCV000743720.13), dbSNP rs141263967, ClinGen allele CA538281.
Genomic context (GRCh38, chr1:2,410,420, plus strand): 5'-GGAGCTTCTACCTGCAAGTGTGGTGAGGCCAAAGTAGGCCACATCTGAGAGCAGCTCAAC[C>T]TCCTTCCTCCACTCCAGCCACTTCCTCGCACCTGAGAGGAGAAACAGTATTAGTCCGGGG-3'
Protein context (NP_002608.1, residues 38-58): GARKWLEWRK[Glu48=]VELLSDVAYF